The following is an entry in ClinVar:

ClinVar aggregate classification (germline): Uncertain significance. Review status: criteria provided, multiple submitters, no conflicts (2 of 4 stars). 3 submissions from 3 submitters: Uncertain significance (2). 1 of the submissions does not count toward it. Last evaluated 2020-02-27.

Conditions:
Cardiovascular phenotype. Identifiers: MedGen CN230736.
Alstrom syndrome (ALMS). Identifiers: Orphanet 64, MedGen C0268425, MONDO:0008763, OMIM 203800.

Allele frequency attached by ClinVar (database versions not stated): gnomAD exomes 0.00001; ExAC 0.00002.
gnomAD v4.1: 19 of 1,614,234 alleles (0.0012%); highest among the groups gnomAD compares: East Asian, 0.0022%; no homozygotes.

Submissions (3):

Ambry Genetics
Classification: Uncertain significance for Cardiovascular phenotype. Last evaluated: 2020-02-27. Review status: criteria provided, single submitter. Criteria: Ambry Variant Classification Scheme 2023. Collection method: clinical testing. Allele origin: germline.
Comment: The p.I3011T variant (also known as c.9032T>C), located in coding exon 10 of the ALMS1 gene, results from a T to C substitution at nucleotide position 9032. The isoleucine at codon 3011 is replaced by threonine, an amino acid with similar properties. This amino acid position is not well conserved in available vertebrate species, and threonine is the reference amino acid in other vertebrate species. In addition, this alteration is predicted to be tolerated by in silico analysis. Since supporting evidence is limited at this time, the clinical significance of this alteration remains unclear.

Center for Pediatric Genomic Medicine, Children's Mercy Hospital and Clinics
Classification: Uncertain significance. Last evaluated: 2017-05-19. Review status: criteria provided, single submitter. Criteria: ACMG Guidelines, 2015. Collection method: clinical testing. Allele origin: germline.

Natera, Inc.
Classification: Uncertain significance for Alstrom syndrome. Last evaluated: 2019-10-28. Review status: no assertion criteria provided. Collection method: clinical testing. Allele origin: germline. Not counted in ClinVar's aggregate classification.

NM_001378454.1(ALMS1):c.9029T>C (p.Ile3010Thr)

Gene: ALMS1 (ALMS1 centrosome and basal body associated protein; plus strand). Cytogenetic location: 2p13.1.
Variant type: single nucleotide variant.
Coding change: c.9029T>C on transcript NM_001378454.1 (MANE Select); coding-DNA position 9029, T replaced by C.
Protein change: p.Ile3010Thr; replaces isoleucine 3010 with threonine.
Molecular consequence: missense variant.
Genome position (GRCh38, 1-based): chr2:73,490,988, T>C. VCF-style: chr2-73490988-T-C. GRCh37 (hg19) VCF-style: chr2-73718115-T-C.
Other names: c.9032T>C, p.Ile3011Thr (NM_015120.4); short protein forms I3011T, I3010T.
Identifiers: ClinVar variation 445638 (VCV000445638.5), dbSNP rs780894681, ClinGen allele CA1714587.